The following is an entry in ClinVar:

ClinVar aggregate classification (germline): Likely pathogenic. Review status: criteria provided, single submitter (1 of 4 stars). 2 submissions from 1 submitter: Likely pathogenic (2). Last evaluated 2025-03-26.

Conditions:
CHD7-related CHARGE syndrome. Identifiers: MedGen CN380413, MONDO:1010178, OMIM 214800.
Hereditary spastic paraplegia 5A (SPG5A). Also called: SPASTIC PARAPLEGIA 5A, AUTOSOMAL RECESSIVE. Identifiers: Orphanet 100986, MedGen C1849115, MONDO:0010047, OMIM 270800.

Submissions (2):

Variantyx, Inc.
Classification: Likely pathogenic for Hereditary spastic paraplegia 5A. Last evaluated: 2025-03-26. Review status: criteria provided, single submitter. Criteria: Variantyx Assertion Criteria 2022. Collection method: clinical testing. Allele origin: germline.
Comment: This is a frameshift variant in the CYP7B1 gene (OMIM: 603711). Pathogenic variants in this gene have been associated with autosomal recessive spastic paraplegia 5A. This variant introduces a premature termination codon in exon 2 out of 6. It is expected to result in loss of function, which is a known disease mechanism for CYP7B1 in this disorder (PMID: 9802883,19363635) (PVS1). This variant is absent from control populations (PM2_Supporting). Based on the current evidence, this variant is classified as likely pathogenic for autosomal recessive spastic paraplegia 5A.

Variantyx, Inc.
Classification: Likely pathogenic for CHD7-related CHARGE syndrome. Last evaluated: 2025-03-26. Review status: criteria provided, single submitter. Criteria: Variantyx Assertion Criteria 2022. Collection method: clinical testing. Allele origin: germline. Inheritance: Autosomal recessive inheritance. Affected: no.
Comment: This is a frameshift variant in the CYP7B1 gene (OMIM: 603711). Pathogenic variants in this gene have been associated with autosomal recessive spastic paraplegia 5A. This variant introduces a premature termination codon in exon 2 out of 6 and is expected to result in loss of function, which is a known disease mechanism for CYP7B1 in this disorder (PMID: 9802883,19363635) (PVS1). This variant is absent from control populations (PM2). Based on the current evidence, this variant is classified as likely pathogenic for autosomal recessive spastic paraplegia 5A.

Literature cited by the submitters: PubMed 9802883; PubMed 19363635.

NM_004820.5(CYP7B1):c.186dup (p.Arg63fs)

Gene: CYP7B1 (cytochrome P450 family 7 subfamily B member 1; minus strand). Cytogenetic location: 8q12.3.
Variant type: Duplication.
Coding change: c.186dup on transcript NM_004820.5 (MANE Select); coding-DNA position 186, one base duplicated (A; older notation c.186dupA).
Protein change: p.Arg63fs; shifts the reading frame from arginine 63.
Molecular consequence: frameshift variant.
Genome position (GRCh38, 1-based): chr8:64,624,476, T duplicated on the plus strand (A on the coding strand, the reverse complement: CYP7B1 is on the minus strand). VCF-style (leftmost placement, unchanged base first): chr8-64624475-G-GT. GRCh37 (hg19) VCF-style: chr8-65537032-G-GT.
Other names: c.186dup, p.Arg63fs (NM_001324112.2); short protein forms R63fs.
Identifiers: ClinVar variation 4759255 (VCV004759255.1).